The following is an entry in ClinVar:

NM_006343.3(MERTK):c.2041_2042insTTA (p.His680_Thr681insIle)

Gene: MERTK (MER proto-oncogene, tyrosine kinase; plus strand). Cytogenetic location: 2q13.
Variant type: Insertion.
Coding change: c.2041_2042insTTA on transcript NM_006343.3 (MANE Select); coding-DNA positions 2041 to 2042, TTA inserted.
Protein change: p.His680_Thr681insIle.
Molecular consequence: inframe insertion.
Genome position: GRCh38 VCF-style: chr2-112010026-A-ATAT. GRCh37 (hg19) VCF-style: chr2-112767603-A-ATAT.
Identifiers: ClinVar variation 1358765 (VCV001358765.8), dbSNP rs2104413043, ClinGen allele CA2573133099.
Genomic context (GRCh38, chr2:112,010,026, plus strand): 5'-GCTCTCAAGGCATCCCAAAGCCCATGGTAATTTTACCCTTCATGAAATACGGGGACCTGC[A>ATAT]TACTTACTTACTTTATTCCCGATTGGAGACAGGACCAAAGGTAATGATCTCCTTGTGTTA-3'

ClinVar aggregate classification (germline): Uncertain significance (1 of 4 stars; one submission).

Submission:

Labcorp Genetics (formerly Invitae), Labcorp
Classification: Uncertain significance. Last evaluated: 2021-06-03. Review status: criteria provided, single submitter. Criteria: Invitae Variant Classification Sherloc (09022015). Collection method: clinical testing. Allele origin: germline.
Comment: This variant, c.2041_2042insTTA, results in the insertion of 1 amino acid(s) to the MERTK protein (p.His680_Thr681insIle), but otherwise preserves the integrity of the reading frame. This variant is not present in population databases (ExAC no frequency). This variant has not been reported in the literature in individuals with MERTK-related conditions. Experimental studies and prediction algorithms are not available or were not evaluated, and the functional significance of this variant is currently unknown. In summary, the available evidence is currently insufficient to determine the role of this variant in disease. Therefore, it has been classified as a Variant of Uncertain Significance.